The following is an entry in ClinVar:

ClinVar aggregate classification (germline): Pathogenic. Review status: criteria provided, multiple submitters, no conflicts (2 of 4 stars). 28 submissions from 26 submitters: Pathogenic (19). 9 of the submissions do not count toward it. Last evaluated 2026-06-23.

Conditions:
FGFR3-related disorder. Also called: FGFR3-related disorders.
Hypochondroplasia (HCH). Identifiers: Orphanet 429, MedGen C0410529, MONDO:0007793, OMIM 146000. Disease mechanism: gain of function.
Muenke syndrome (MNKES). Also called: MUENKE NONSYNDROMIC CORONAL CRANIOSYNOSTOSIS. Identifiers: Orphanet 53271, MedGen C1864436, MONDO:0011274, OMIM 602849.
Crouzon syndrome-acanthosis nigricans syndrome. Also called: CROUZONODERMOSKELETAL SYNDROME. Identifiers: Orphanet 93262, MedGen C2677099, MONDO:0012833, OMIM 612247.
Achondroplasia (ACH). Also called: Achondroplastic dwarfism. Identifiers: Orphanet 15, MedGen C0001080, MONDO:0007037, OMIM 100800. Disease mechanism: gain of function.
Germ cell tumor of testis (TGCT). Also called: Testicular germ cell tumor; GERM CELL TUMOR, SOMATIC. Identifiers: Orphanet 363504, MedGen C1336708, MONDO:0010108, OMIM 273300.
Epidermal nevus. Also called: Nevus, epidermal, somatic; NEVUS, KERATINOCYTIC, NONEPIDERMOLYTIC. Identifiers: Orphanet 79414, MedGen C0334082, MONDO:0008093, OMIM 162900, HP:0010816.
Camptodactyly-tall stature-scoliosis-hearing loss syndrome. Also called: CATSHL SYNDROME. Identifiers: Orphanet 85164, MedGen C1864852, MONDO:0012504, OMIM 610474.
Colorectal cancer. Also called: Malignant Colorectal Neoplasm; Colorectal cancer, somatic. Identifiers: MedGen C0346629, MONDO:0005575, OMIM 114500.
Severe achondroplasia-developmental delay-acanthosis nigricans syndrome. Also called: Severe achondroplasia with developmental delay and acanthosis nigricans; SADDAN dysplasia. Identifiers: Orphanet 85165, MedGen C2674173, MONDO:0014658, OMIM 616482.
Malignant tumor of urinary bladder. Also called: Urinary bladder cancer; Bladder cancer; Urinary Bladder Neoplasms. Identifiers: MedGen C0005684, MONDO:0001187, OMIM 109800.
Lacrimoauriculodentodigital syndrome 2 (LADD2). Also called: LADD SYNDROME 2. Identifiers: MedGen C5774286, MONDO:0859577, OMIM 620192.
Thanatophoric dysplasia type 1 (TD1). Also called: LETHAL SHORT-LIMBED PLATYSPONDYLIC DWARFISM, SAN DIEGO TYPE; Thanatophoric Dysplasia Type 1 (TD Type 1); PLATYSPONDYLIC LETHAL SKELETAL DYSPLASIA, SAN DIEGO TYPE. Identifiers: Orphanet 1860, Orphanet 2655, MedGen C1868678, MONDO:0008546, OMIM 187600. Disease mechanism: gain of function.
Thanatophoric dysplasia, type 2 (TD2). Also called: CLOVERLEAF SKULL WITH THANATOPHORIC DWARFISM; Thanatophoric Dysplasia Type 2 (TD Type 2); THANATOPHORIC DYSPLASIA WITH KLEEBLATTSCHAEDEL; THANATOPHORIC DYSPLASIA WITH STRAIGHT FEMURS AND CLOVERLEAF SKULL. Identifiers: Orphanet 2655, Orphanet 93274, MedGen C1300257, MONDO:0008547, OMIM 187601. Disease mechanism: gain of function.
Cervical cancer. Also called: Cervix cancer; Cancer of cervix; Cervical cancer, somatic. Identifiers: MedGen C4048328, MONDO:0002974, OMIM 603956, HP:0030079.
Thanatophoric dysplasia. Also called: THANATOPHORIC DWARFISM. Identifiers: Orphanet 2655, MedGen C0039743, MONDO:0017042.
Multiple myeloma (MM). Also called: Multiple myeloma, somatic; Plasma cell myeloma. Identifiers: Orphanet 29073, Orphanet 85443, MedGen C0026764, MeSH D009101, MONDO:0009693, OMIM 254500, HP:0006775.
Spermatocytic seminoma. Also called: Spermatocytic seminoma, somatic. Identifiers: Orphanet 99865, MedGen C0334517, MONDO:0020513.

Submissions 1 to 6 of 28:

Genomenon, Inc
Classification: Pathogenic for Thanatophoric dysplasia. Last evaluated: 2026-06-23. Review status: criteria provided, single submitter. Criteria: Genomenon Sequence Variant Interpretation Standards - Updated. Collection method: curation. Allele origin: germline. Affected: yes.
Comment: FGFR3 p.Lys650Glu (c.1948A>G) is a missense variant that changes the amino acid at codon 650 from Lysine to Glutamic acid. This variant has been observed in multiple probands with thanatophoric dysplasia (PMID:7773297;25614871). A de novo occurrence of this variant has been observed in at least one affected individual (PMID:7773297). At least one functional study has demonstrated a substantial alteration in protein function relative to the wild-type (PMID:26992226;8754806;19088846). It is absent or not present at a significant frequency in gnomAD. In silico models predict that this variant is possibly or probably damaging. In conclusion, we classify FGFR3 p.Lys650Glu (c.1948A>G) as a pathogenic variant.

MVZ Martinsried, Medicover Genetics
Classification: Pathogenic for Thanatophoric dysplasia, type 2. Last evaluated: 2026-06-12. Review status: criteria provided, single submitter. Criteria: ClinGen Variant Curation SOP V3.2 + Classification Guidance July2025. Collection method: clinical testing. Allele origin: de novo. Affected: yes. Observed: 1 heterozygote.

PreventionGenetics, part of Exact Sciences
Classification: Pathogenic for FGFR3-related condition. Last evaluated: 2025-11-08. Review status: criteria provided, single submitter. Criteria: ACMG Guidelines, 2015. Collection method: clinical testing. Allele origin: germline.
Comment: The FGFR3 c.1948A>G variant is predicted to result in the amino acid substitution p.Lys650Glu. This variant has been reported to be causative for thanatophoric dysplasia including many de novo cases (see for example, Tavormina et al. 1995. PubMed ID: 7773297; Zhang et al. 2021. PubMed ID: 33942288). In addition, similar variants affecting the same amino acid (p.Lys650Asn, p.Lys650Gln, p.Lys650Thr and p.Lys650Met) have been documented to be pathogenic for FGFR3-related disorders (see for example, Bellus et al. 2000. PubMed ID: 11055896; Adams et al. 2025. PubMed ID: 39749519). The c.1948A>G (p.Lys650Glu) variant has not been reported in a large population database (gnomAD), indicating this variant is rare. This variant is interpreted as pathogenic.

Victorian Clinical Genetics Services, Murdoch Childrens Research Institute
Classification: Pathogenic for Thanatophoric dysplasia. Last evaluated: 2025-10-28. Review status: criteria provided, single submitter. Criteria: ACMG Guidelines, 2015. Collection method: clinical testing. Allele origin: germline. Affected: yes.
Comment: This variant is classified as Pathogenic. Evidence in support of pathogenic classification: Variant is absent from gnomAD (v2, v3 and v4); This variant has strong previous evidence of pathogenicity in unrelated individuals. This variant has been classified as pathogenic by many clinical laboratories in ClinVar; Missense variant predicted to be damaging by in silico tool(s) or highly conserved with a major amino acid change. Additional information: Variant is predicted to result in a missense amino acid change from Lys to Glu; This variant is heterozygous; This gene is associated with both recessive and dominant disease (OMIM); Alternative amino acid change(s) at the same position are present in gnomAD (highest allele count: v4: 4 heterozygote(s), 0 homozygote(s)); Variant is located in the annotated protein tyrosine and serine/threonine kinase domain (DECIPHER. - Gain of function is a known mechanism of disease in this gene and is associated with autosomal dominant skeletal dysplasias (OMIM). Additionally, autosomal recessive and dominant CATSHL syndrome (MIM#610474), is suspected to be due to variants with a loss of function, and dominant negative mechanism, respectively (PMID: 25614871, PMID: 24864036); The condition associated with this gene has incomplete penetrance. Individuals with Muenke syndrome have been shown to inherit pathogenic variants from an asymptomatic parent (PMID: 26740388, PMID: 18000976); Variants in this gene are known to have variable expressivity. There is a wide range of clinical symptoms with variable expressivity in LADD and Muenke syndrome patients, even within the same family (PMID: 26740388, PMID: 16501574); Inheritance information for this variant is not currently available in this individual.

Variantyx, Inc.
Classification: Pathogenic for Thanatophoric dysplasia, type 2. Last evaluated: 2025-10-09. Review status: criteria provided, single submitter. Criteria: Variantyx Assertion Criteria 2022. Collection method: clinical testing. Allele origin: germline. Inheritance: Autosomal dominant inheritance. Affected: yes.
Comment: This is a nonsynonymous variant in the FGFR3 gene (OMIM: 134934). Pathogenic variants in this gene are associated with several types of autosomal dominant skeletal dysplasias, including thanatophoric dysplasia type II (TD2) (OMIM 187601). This variant likely occurred de novo in the current proband, individuals reported in the published literature and previous internal cases; however, the possibility of parental germline mosaicism cannot be excluded (PMID: 7773297) (PS2_Very_Strong). Functional studies have shown that this variant alters FGFR3 protein function (PMID: 21273588, 9315632, 23972473, 12624096) (PS3), and multiple computational algorithms predict a deleterious effect for this variant (REVEL score: 0.837) (PP3). Alternate amino acid changes at this position (p.Lys650Met, p.Lys650Thr, p.Lys650Asn) have been previously reported in similarly affected individuals, which suggests that this residue is biologically important (PMID: 11055896) (PM5). This variant has been reported in many unrelated affected individuals and is the most commonly observed variant in individuals with TD2 (PMID: 7773297, 11241532, 20301540) (PS4_Very_Strong). It is absent from control populations (PM2). Based on the current evidence, this variant is classified as pathogenic for autosomal dominant thanatophoric dysplasia type II.

Dasa
Classification: Pathogenic for Thanatophoric dysplasia, type 2. Last evaluated: 2025-07-23. Review status: criteria provided, single submitter. Criteria: DASA Assertion Criteria. Collection method: clinical testing. Allele origin: germline. Observed: 1 variant allele.
Comment: NM_000142.5(FGFR3):c.1948A>G (p.Lys650Glu) introduces a lysine-to-glutamic acid substitution in the tyrosine kinase domain. Functional studies demonstrate constitutive receptor activation, and this variant has been reported in individuals with thanatophoric dysplasia and related conditions. Based on the available data, this variant is classified as Pathogenic.

NM_000142.5(FGFR3):c.1948A>G (p.Lys650Glu)

Gene: FGFR3 (fibroblast growth factor receptor 3; plus strand). Cytogenetic location: 4p16.3.
Variant type: single nucleotide variant.
Coding change: c.1948A>G on transcript NM_000142.5 (MANE Select); coding-DNA position 1948, A replaced by G.
Protein change: p.Lys650Glu; replaces lysine 650 with glutamic acid.
Molecular consequence: missense variant. On other transcripts: non-coding transcript variant (1).
Genome position (GRCh38, 1-based): chr4:1,806,162, A>G. VCF-style: chr4-1806162-A-G. GRCh37 (hg19) VCF-style: chr4-1807889-A-G.
Other names: c.1954A>G, p.Lys652Glu (NM_001163213.2); c.1951A>G, p.Lys651Glu (NM_001354809.2, NM_001354810.2); c.1612A>G, p.Lys538Glu (NM_022965.4); short protein forms K650E, K652E, K538E, K651E.
Identifiers: ClinVar variation 16331 (VCV000016331.52), dbSNP rs78311289, ClinGen allele CA126376.